The following is an entry in ClinVar:

ClinVar aggregate classification (germline): Uncertain significance (1 of 4 stars; one submission).

Conditions:
Dilated cardiomyopathy 1G (CMD1G). Identifiers: Orphanet 154, MedGen C1858763, MONDO:0011400, OMIM 604145.
Autosomal recessive limb-girdle muscular dystrophy type 2J (LGMDR10). Also called: Limb-girdle muscular dystrophy, type 2J; MUSCULAR DYSTROPHY, LIMB-GIRDLE, AUTOSOMAL RECESSIVE 10. Identifiers: Orphanet 140922, MedGen C1837342, MONDO:0012127, OMIM 608807.

Submission:

Labcorp Genetics (formerly Invitae), Labcorp
Classification: Uncertain significance for Dilated cardiomyopathy 1G; Autosomal recessive limb-girdle muscular dystrophy type 2J. Last evaluated: 2022-03-17. Review status: criteria provided, single submitter. Criteria: Invitae Variant Classification Sherloc (09022015). Collection method: clinical testing. Allele origin: germline.
Comment: This sequence change replaces lysine, which is basic and polar, with glutamic acid, which is acidic and polar, at codon 35595 of the TTN protein (p.Lys35595Glu). This variant is located in the M band of TTN (PMID: 25589632). Variants in this region may be relevant for neuromuscular disorders, but have not been definitively shown to cause cardiomyopathy (PMID: 23975875). In summary, the available evidence is currently insufficient to determine the role of this variant in disease. Therefore, it has been classified as a Variant of Uncertain Significance. Experimental studies and prediction algorithms are not available or were not evaluated, and the functional significance of this variant is currently unknown. This variant has not been reported in the literature in individuals affected with TTN-related conditions. This variant is not present in population databases (gnomAD no frequency).

Literature cited by the submitters: PubMed 25589632; PubMed 23975875.

NM_001267550.2(TTN):c.106783A>G (p.Lys35595Glu)

Genes: TTN (titin; minus strand), TTN-AS1 (TTN antisense RNA 1; plus strand). Cytogenetic location: 2q31.2.
Variant type: single nucleotide variant.
Coding change: c.106783A>G on transcript NM_001267550.2 (MANE Select); coding-DNA position 106783, A replaced by G.
Protein change: p.Lys35595Glu; replaces lysine 35595 with glutamic acid.
Molecular consequence: missense variant.
Genome position (GRCh38, 1-based): chr2:178,528,968, T>C on the plus strand (A>G on the coding strand, the complement: TTN is on the minus strand). VCF-style: chr2-178528968-T-C. GRCh37 (hg19) VCF-style: chr2-179393695-T-C.
Other names: c.101860A>G, p.Lys33954Glu (NM_001256850.1); c.79588A>G, p.Lys26530Glu (NM_003319.4); c.99079A>G, p.Lys33027Glu (NM_133378.4); c.79963A>G, p.Lys26655Glu (NM_133432.3); c.80164A>G, p.Lys26722Glu (NM_133437.4); short protein forms K33954E, K33027E, K26530E, K26655E, K26722E, K35595E.
Identifiers: ClinVar variation 2108499 (VCV002108499.4), dbSNP rs2468306493, ClinGen allele CA349403106.